The following is an entry in ClinVar:

NM_001287491.2(TET3):c.4845G>C (p.Glu1615Asp)

Gene: TET3 (tet methylcytosine dioxygenase 3; plus strand). Cytogenetic location: 2p13.1.
Variant type: single nucleotide variant.
Coding change: c.4845G>C on transcript NM_001287491.2 (MANE Select); coding-DNA position 4845, G replaced by C.
Protein change: p.Glu1615Asp; replaces glutamic acid 1615 with aspartic acid.
Molecular consequence: missense variant.
Genome position (GRCh38, 1-based): chr2:74,101,633, G>C. VCF-style: chr2-74101633-G-C. GRCh37 (hg19) VCF-style: chr2-74328760-G-C.
Other names: c.4566G>C, p.Glu1522Asp (NM_001366022.1); short protein forms E1522D, E1615D.
Identifiers: ClinVar variation 4681931 (VCV004681931.5).

ClinVar aggregate classification (germline): Uncertain significance (1 of 4 stars; one submission).

Submission:

CeGaT Center for Human Genetics Tuebingen
Classification: Uncertain significance. Last evaluated: 2025-12-01. Review status: criteria provided, single submitter. Criteria: CeGaT Center For Human Genetics Tuebingen Variant Classification Criteria Version 2. Collection method: clinical testing. Allele origin: germline. Affected: yes. Observed: 1 variant allele.
Comment: TET3: PM2, BP4